The following is an entry in ClinVar:

ClinVar aggregate classification (germline): Benign/Likely benign. Review status: criteria provided, multiple submitters, no conflicts (2 of 4 stars). 21 submissions from 20 submitters: Benign (11); Likely benign (5). 5 of the submissions do not count toward it. Last evaluated 2026-07-01.

Conditions:
Inborn genetic diseases. Identifiers: MedGen C0950123, MeSH D030342.
Hypogonadotropic hypogonadism 5 with or without anosmia (KAL5). Also called: CHD7-Related GnRH Deficiency (Kallmann Syndrome 5); HYPOGONADOTROPIC HYPOGONADISM 5 WITH ANOSMIA; HYPOGONADOTROPHIC HYPOGONADISM 5 WITHOUT ANOSMIA. Identifiers: Orphanet 478, MedGen C3552553, MONDO:0012880, OMIM 612370. Disease mechanism: loss of function.
CHARGE syndrome (CHARGE). Also called: Hittner Hirsch Kreh syndrome; Coloboma, heart anomaly, choanal atresia, retardation, genital and ear anomalies; CHARGE association; Hall-Hittner syndrome; CHARGE ASSOCIATION--COLOBOMA, HEART ANOMALY, CHOANAL ATRESIA, RETARDATION, GENITAL AND EAR ANOMALIES. Identifiers: Orphanet 138, MedGen C0265354, MONDO:0008965.

Allele frequency attached by ClinVar (database versions not stated): 1000 Genomes Project 30x 0.00219; gnomAD exomes 0.00462 and 0.00636; TOPMed 0.00528; ExAC 0.00419; ESP Exome Variant Server 0.00562; gnomAD 0.00483 and 0.00505; 1000 Genomes Project 0.00220.

Submissions (22):

CeGaT Center for Human Genetics Tuebingen
Classification: Benign. Last evaluated: 2026-07-01. Review status: criteria provided, single submitter. Criteria: CeGaT Center For Human Genetics Tuebingen Variant Classification Criteria Version 2. Collection method: clinical testing. Allele origin: germline. Affected: yes. Observed: 62 variant alleles.
Comment: CHD7: BP4, BS1, BS2

Labcorp Genetics (formerly Invitae), Labcorp
Classification: Benign for CHARGE syndrome. Last evaluated: 2026-02-03. Review status: criteria provided, single submitter. Criteria: Invitae Variant Classification Sherloc (09022015). Collection method: clinical testing. Allele origin: germline.

Mayo Clinic Laboratories, Mayo Clinic
Classification: Benign. Last evaluated: 2025-08-20. Review status: criteria provided, single submitter. Criteria: ACMG Guidelines, 2015. Collection method: clinical testing. Allele origin: germline. Observed: 4 variant alleles.
Comment: BA1, BS2

Blueprint Genetics
Classification: Likely benign. Last evaluated: 2024-11-26. Review status: criteria provided, single submitter. Criteria: ACMG Guidelines, 2015. Collection method: clinical testing. Allele origin: germline.

Genetic Services Laboratory, University of Chicago
Classification: Benign. Last evaluated: 2019-06-25. Review status: criteria provided, single submitter. Criteria: ACMG Guidelines, 2015. Collection method: clinical testing. Allele origin: germline. Affected: no.

Ambry Genetics
Classification: Likely benign for Inborn genetic diseases. Last evaluated: 2018-11-23. Review status: criteria provided, single submitter. Criteria: Ambry Variant Classification Scheme 2023. Collection method: clinical testing. Allele origin: germline.

Illumina Laboratory Services, Illumina
Classification: Benign for Kallmann Syndrome 5. Last evaluated: 2018-01-12. Review status: criteria provided, single submitter. Criteria: ICSL Variant Classification Criteria 13 December 2019. Collection method: clinical testing. Allele origin: germline.
Comment: This variant was observed in the ICSL laboratory as part of a predisposition screen in an ostensibly healthy population. It had not been previously curated by ICSL or reported in the Human Gene Mutation Database (HGMD: prior to June 1st, 2018), and was therefore a candidate for classification through an automated scoring system. Utilizing variant allele frequency, disease prevalence and penetrance estimates, and inheritance mode, an automated score was calculated to assess if this variant is too frequent to cause the disease. Based on the score and internal cut-off values, a variant classified as benign is not then subjected to further curation. The score for this variant resulted in a classification of benign for this disease.

Institute for Genomic Medicine (IGM) Clinical Laboratory, Nationwide Children's Hospital
Classification: Benign. Last evaluated: 2017-09-07. Review status: criteria provided, single submitter. Criteria: ACMG Guidelines, 2015. Collection method: clinical testing. Allele origin: germline.
Comment: BS1, BS2, BP6; This alteration has an allele frequency that is greater than expected for the associated disease, was seen in a healthy adult where full penetrance of the disorder is expected at an early age, and was reported as a benign/likely benign alteration by a reputable source (ClinVar or other correspondence from a clinical testing laboratory).

Laboratory for Molecular Medicine, Mass General Brigham Personalized Medicine
Classification: Likely benign. Last evaluated: 2017-08-23. Review status: criteria provided, single submitter. Criteria: LMM Criteria. Collection method: clinical testing. Allele origin: germline. Observed: 6 variant alleles.
Comment: p.Met340Val in exon 2 of CHD7: This variant is not expected to have clinical sig nificance because it has been identified in 0.63% (422/66716) of European chromo somes by the Exome Aggregation Consortium (ExAC; dbSNP rs41305525).

ARUP Laboratories, Molecular Genetics and Genomics, ARUP Laboratories
Classification: Benign. Last evaluated: 2016-12-14. Review status: criteria provided, single submitter. Criteria: ARUP Molecular Germline Variant Investigation Process. Collection method: clinical testing. Allele origin: germline.

Center for Pediatric Genomic Medicine, Children's Mercy Hospital and Clinics
Classification: Likely benign. Last evaluated: 2016-10-03. Review status: criteria provided, single submitter. Criteria: ACMG Guidelines, 2015. Collection method: clinical testing. Allele origin: germline.
ClinVar note: Converted during submission from Likely Benign to Likely benign.

Genomic Diagnostic Laboratory, Division of Genomic Diagnostics, Children's Hospital of Philadelphia
Classification: Benign for CHARGE syndrome. Last evaluated: 2016-09-05. Review status: criteria provided, single submitter. Criteria: DGD Variant Analysis Guidelines. Collection method: clinical testing. Allele origin: germline. Affected: yes. Observed: 1 variant allele.
Comment: Clinical Testing

GeneDx
Classification: Benign. Last evaluated: 2015-03-03. Review status: criteria provided, single submitter. Criteria: GeneDx Variant Classification Process June 2021. Collection method: clinical testing. Allele origin: germline. Affected: yes.

Eurofins Ntd Llc (ga)
Classification: Benign. Last evaluated: 2012-12-27. Review status: criteria provided, single submitter. Criteria: EGL Classification Definitions 2015. Collection method: clinical testing. Allele origin: germline. Observed: 1 variant allele, 1 heterozygote.

Breakthrough Genomics
Classification: Likely benign. Review status: criteria provided, single submitter. Criteria: ACMG Guidelines, 2015. Collection method: not provided. Allele origin: germline. Inheritance: Autosomal dominant inheritance. Affected: yes.

PreventionGenetics, part of Exact Sciences
Classification: Benign. Review status: criteria provided, single submitter. Criteria: ACMG Guidelines, 2015. Collection method: clinical testing. Allele origin: germline.

Clinical Genetics DNA and cytogenetics Diagnostics Lab, Erasmus MC, Erasmus Medical Center
Classification: Benign. Review status: no assertion criteria provided. Collection method: clinical testing. Allele origin: germline. Affected: yes. Study: VKGL Data-share Consensus. Not counted in ClinVar's aggregate classification.

Clinical Genetics, Academic Medical Center
Classification: Benign. Review status: no assertion criteria provided. Collection method: clinical testing. Allele origin: germline. Affected: yes. Study: VKGL Data-share Consensus. Not counted in ClinVar's aggregate classification.

Dr. Peter K. Rogan Lab, Western University
No classification provided (evidence only). Condition: Malignant tumor of urinary bladder. Review status: no classification provided. Collection method: in vitro. Allele origin: not applicable. Functional consequence: retained intron. Not counted in ClinVar's aggregate classification.

Genome Diagnostics Laboratory, University Medical Center Utrecht
Classification: Benign. Review status: no assertion criteria provided. Collection method: clinical testing. Allele origin: germline. Affected: yes. Study: VKGL Data-share Consensus. Not counted in ClinVar's aggregate classification.

Laboratory of Diagnostic Genome Analysis, Leiden University Medical Center (LUMC)
Classification: Likely benign. Review status: no assertion criteria provided. Collection method: clinical testing. Allele origin: germline. Affected: yes. Study: VKGL Data-share Consensus. Not counted in ClinVar's aggregate classification.

Genomic Diagnostic Laboratory, Division of Genomic Diagnostics, Children's Hospital of Philadelphia
Classification: Benign. Last evaluated: 2015-07-01. Review status: flagged submission. Criteria: DGD Variant Analysis Guidelines. Collection method: clinical testing. Allele origin: unknown. Not counted in ClinVar's aggregate classification.
ClinVar note: Reason: This record appears to be redundant with a more recent record from the same submitter.
ClinVar note: Notes: SCV000258118 appears to be redundant with SCV000328319.

NM_017780.4(CHD7):c.1018A>G (p.Met340Val)

Gene: CHD7 (chromodomain helicase DNA binding protein 7; plus strand). Cytogenetic location: 8q12.2.
Variant type: single nucleotide variant.
Coding change: c.1018A>G on transcript NM_017780.4 (MANE Select); coding-DNA position 1018, A replaced by G.
Protein change: p.Met340Val; replaces methionine 340 with valine.
Molecular consequence: missense variant.
Genome position (GRCh38, 1-based): chr8:60,742,450, A>G. VCF-style: chr8-60742450-A-G. GRCh37 (hg19) VCF-style: chr8-61655009-A-G.
Other names: c.1018A>G, p.Met340Val (NM_001316690.1, LRG_176t1); short protein forms M340V.
Identifiers: ClinVar variation 95773 (VCV000095773.68), dbSNP rs41305525, ClinGen allele CA248679.